The following is an entry in ClinVar:

ClinVar aggregate classification (germline): Uncertain significance (1 of 4 stars; one submission).

Conditions:
Hyperphosphatasia with impaired intellectual development syndrome 2. Also called: Hyperphosphatasia with intellectual disability syndrome 2; GLYCOSYLPHOSPHATIDYLINOSITOL BIOSYNTHESIS DEFECT 6. Identifiers: Orphanet 247262, MedGen C3553637, MONDO:0013882, OMIM 614749.

Submission:

Labcorp Genetics (formerly Invitae), Labcorp
Classification: Uncertain significance for Hyperphosphatasia with impaired intellectual development syndrome 2. Last evaluated: 2024-10-24. Review status: criteria provided, single submitter. Criteria: Invitae Variant Classification Sherloc (09022015). Collection method: clinical testing. Allele origin: germline.
Comment: This sequence change replaces histidine, which is basic and polar, with tyrosine, which is neutral and polar, at codon 87 of the PIGO protein (p.His87Tyr). This variant is not present in population databases (gnomAD no frequency). This variant has not been reported in the literature in individuals affected with PIGO-related conditions. ClinVar contains an entry for this variant (Variation ID: 1378561). Invitae Evidence Modeling of protein sequence and biophysical properties (such as structural, functional, and spatial information, amino acid conservation, physicochemical variation, residue mobility, and thermodynamic stability) indicates that this missense variant is not expected to disrupt PIGO protein function with a negative predictive value of 95%. In summary, the available evidence is currently insufficient to determine the role of this variant in disease. Therefore, it has been classified as a Variant of Uncertain Significance.

NM_032634.4(PIGO):c.259C>T (p.His87Tyr)

Gene: PIGO (phosphatidylinositol glycan anchor biosynthesis class O; minus strand). Cytogenetic location: 9p13.3.
Variant type: single nucleotide variant.
Coding change: c.259C>T on transcript NM_032634.4 (MANE Select); coding-DNA position 259, C replaced by T.
Protein change: p.His87Tyr; replaces histidine 87 with tyrosine.
Molecular consequence: missense variant.
Genome position (GRCh38, 1-based): chr9:35,095,307, G>A on the plus strand (C>T on the coding strand, the complement: PIGO is on the minus strand). VCF-style: chr9-35095307-G-A. GRCh37 (hg19) VCF-style: chr9-35095304-G-A.
Other names: c.259C>T, p.His87Tyr (NM_001201484.2, NM_152850.4); short protein forms H87Y.
Identifiers: ClinVar variation 1378561 (VCV001378561.6), dbSNP rs1014636057, ClinGen allele CA373324652.